The following is an entry in ClinVar:

NM_001018115.3(FANCD2):c.3501G>A (p.Trp1167Ter)

Genes: FANCD2 (FA complementation group D2; plus strand), FANCD2OS (FANCD2 opposite strand; minus strand). Cytogenetic location: 3p25.3.
Variant type: single nucleotide variant.
Coding change: c.3501G>A on transcript NM_001018115.3 (MANE Select); coding-DNA position 3501, G replaced by A.
Protein change: p.Trp1167Ter; replaces tryptophan 1167 with a stop codon.
Molecular consequence: nonsense. On other transcripts: intron variant (1).
Genome position (GRCh38, 1-based): chr3:10,088,483, G>A. VCF-style: chr3-10088483-G-A. GRCh37 (hg19) VCF-style: chr3-10130167-G-A.
Other names: c.3501G>A, p.Trp1167Ter (NM_001319984.2, NM_001374254.1, NM_033084.6); c.3390G>A, p.Trp1130Ter (NM_001374253.1); c.*44-6952C>T (NM_173472.2); short protein forms W1130*, W1167*.
Identifiers: ClinVar variation 2704172 (VCV002704172.3), dbSNP rs2125076614, ClinGen allele CA351752936.

ClinVar aggregate classification (germline): Pathogenic (1 of 4 stars; one submission).

Conditions:
Fanconi anemia (FA). Also called: Fanconi's anemia. Identifiers: Orphanet 84, MedGen C0015625, MeSH D005199, MONDO:0019391.

Allele frequency attached by ClinVar (database versions not stated): gnomAD exomes below 0.00001.
gnomAD v4.1: 1 of 1,612,298 alleles (0.000062%); highest among the groups gnomAD compares: Non-Finnish European, 0.000085%; no homozygotes.

Submission:

Labcorp Genetics (formerly Invitae), Labcorp
Classification: Pathogenic for Fanconi anemia. Last evaluated: 2023-12-19. Review status: criteria provided, single submitter. Criteria: Invitae Variant Classification Sherloc (09022015). Collection method: clinical testing. Allele origin: germline.
Comment: This sequence change creates a premature translational stop signal (p.Trp1167*) in the FANCD2 gene. It is expected to result in an absent or disrupted protein product. Loss-of-function variants in FANCD2 are known to be pathogenic (PMID: 17436244). This variant is not present in population databases (gnomAD no frequency). This variant has not been reported in the literature in individuals affected with FANCD2-related conditions. For these reasons, this variant has been classified as Pathogenic.

Literature cited by the submitters: PubMed 17436244.